The following is an entry in ClinVar:

ClinVar aggregate classification (germline): Pathogenic/Likely pathogenic. Review status: criteria provided, multiple submitters, no conflicts (2 of 4 stars). 4 submissions from 4 submitters: Pathogenic (2); Likely pathogenic (1). 1 of the submissions does not count toward it. Last evaluated 2024-12-17.

Conditions:
Myoclonic dystonia 11 (DYT11). Also called: Myoclonic dystonia; Dystonia 11; Dystonia, alcohol responsive; Hereditary essential myoclonus; SGCE Myoclonus-Dystonia; Myoclonus-Dystonia. Identifiers: Orphanet 36899, MedGen C1834570, MONDO:0008044, OMIM 159900.

Submissions (4):

GeneDx
Classification: Pathogenic. Last evaluated: 2024-12-17. Review status: criteria provided, single submitter. Criteria: GeneDx Variant Classification Process June 2021. Collection method: clinical testing. Allele origin: germline. Affected: yes.
Comment: Reported previously as a paternally inherited variant in a patient with myoclonic jerks (PMID: 28707723); Nonsense variant predicted to result in protein truncation or nonsense mediated decay in a gene for which loss of function is a known mechanism of disease; Not observed at significant frequency in large population cohorts (gnomAD); This variant is associated with the following publications: (PMID: 33497502, 28707723)

3billion
Classification: Pathogenic for Myoclonic dystonia 11. Last evaluated: 2023-12-01. Review status: criteria provided, single submitter. Criteria: ACMG Guidelines, 2015. Collection method: clinical testing. Allele origin: germline. Affected: yes.
Comment: The variant is not observed in the gnomAD v2.1.1 dataset. Predicted Consequence/Location: Stop-gained (nonsense): predicted to result in a loss or disruption of normal protein function through nonsense-mediated decay (NMD) or protein truncation. Multiple pathogenic variants are reported downstream of the variant. The variant has been reported to be associated with SGCE related disorder (ClinVar ID: VCV000425421 /PMID: 28707723). Therefore, this variant is classified as Pathogenic according to the recommendation of ACMG/AMP guideline.

CeGaT Center for Human Genetics Tuebingen
Classification: Likely pathogenic. Last evaluated: 2017-01-01. Review status: criteria provided, single submitter. Criteria: CeGaT Center For Human Genetics Tuebingen Variant Classification Criteria Version 2. Collection method: clinical testing. Allele origin: germline. Affected: yes. Observed: 1 variant allele.

Department of Neurodegenerative Diseases, AG Gasser, Hertie Institute for Clinical Brain Research
Classification: Pathogenic for Myoclonic dystonia 11. Last evaluated: 2026-01-15. Review status: no assertion criteria provided. Collection method: research. Allele origin: germline. Inheritance: Autosomal unknown. Affected: yes. Not counted in ClinVar's aggregate classification.

Literature cited by the submitters: PubMed 28707723 (cited by 3billion).

NM_003919.3(SGCE):c.193G>T (p.Glu65Ter)

Genes: CASD1 (CAS1 domain sialic acid O acetyltransferase 1; plus strand), SGCE (sarcoglycan epsilon; minus strand). Cytogenetic location: 7q21.3.
Variant type: single nucleotide variant.
Coding change: c.193G>T on transcript NM_003919.3 (MANE Select); coding-DNA position 193, G replaced by T.
Protein change: p.Glu65Ter; replaces glutamic acid 65 with a stop codon.
Molecular consequence: nonsense. On other transcripts: 5 prime UTR variant (2), intron variant (2).
Genome position (GRCh38, 1-based): chr7:94,629,758, C>A on the plus strand (G>T on the coding strand, the complement: SGCE is on the minus strand). VCF-style: chr7-94629758-C-A. GRCh37 (hg19) VCF-style: chr7-94259070-C-A.
Other names: c.193G>T, p.Glu65Ter (NM_001099400.2, NM_001099401.2, NM_001346717.2); c.301G>T, p.Glu101Ter (NM_001346713.2, NM_001346715.2); c.106G>T, p.Glu36Ter (NM_001346719.2, NM_001362807.2); c.-81G>T (NM_001346720.2, NM_001362808.2); c.110-1399G>T (NM_001362809.2, NM_001301139.2); c.193G>T (NM_003919.2); short protein forms E65*, E101*, E36*.
Identifiers: ClinVar variation 425421 (VCV000425421.46), dbSNP rs1064797339, ClinGen allele CA16621859.
Genomic context (GRCh38, chr7:94,629,758, plus strand): 5'-TTTTCCTCACAAAGAACATACCAGGTTTTGGGTAAGGTGGAAATTCCCCCTTAAAATATT[C>A]TCTTTCCAAAACATGAACAAAGAGGACACCTGCTGATGGGTATACATTCCGATCGGAGTG-3'